The following is an entry in ClinVar:

NM_001372044.2(SHANK3):c.4958C>T (p.Pro1653Leu)

Gene: SHANK3 (SH3 and multiple ankyrin repeat domains 3; plus strand). Cytogenetic location: 22q13.33.
Variant type: single nucleotide variant.
Coding change: c.4958C>T on transcript NM_001372044.2 (MANE Select); coding-DNA position 4958, C replaced by T.
Protein change: p.Pro1653Leu; replaces proline 1653 with leucine.
Molecular consequence: missense variant.
Genome position (GRCh38, 1-based): chr22:50,730,849, C>T. VCF-style: chr22-50730849-C-T. GRCh37 (hg19) VCF-style: chr22-51169277-C-T.
Other names: short protein forms P1653L.
Identifiers: ClinVar variation 4873702 (VCV004873702.3).

ClinVar aggregate classification (germline): Uncertain significance. Review status: criteria provided, multiple submitters, no conflicts (2 of 4 stars). 2 submissions from 2 submitters: Uncertain significance (2). Last evaluated 2026-06-01.

Submissions (2):

CeGaT Center for Human Genetics Tuebingen
Classification: Uncertain significance. Last evaluated: 2026-06-01. Review status: criteria provided, single submitter. Criteria: CeGaT Center For Human Genetics Tuebingen Variant Classification Criteria Version 2. Collection method: clinical testing. Allele origin: germline. Affected: yes. Observed: 1 variant allele.
Comment: SHANK3: PM2

Blueprint Genetics
Classification: Uncertain significance. Last evaluated: 2024-11-13. Review status: criteria provided, single submitter. Criteria: ACMG Guidelines, 2015. Collection method: clinical testing. Allele origin: germline.